The following is an entry in ClinVar:

ClinVar aggregate classification (germline): Uncertain significance (1 of 4 stars; one submission).

Conditions:
Inborn genetic diseases. Identifiers: MedGen C0950123, MeSH D030342.

Submission:

Ambry Genetics
Classification: Uncertain significance for Inborn genetic diseases. Last evaluated: 2023-03-20. Review status: criteria provided, single submitter. Criteria: Ambry Variant Classification Scheme 2023. Collection method: clinical testing. Allele origin: germline.
Comment: The p.P242Q variant (also known as c.725C>A), located in coding exon 4 of the ATR gene, results from a C to A substitution at nucleotide position 725. The proline at codon 242 is replaced by glutamine, an amino acid with similar properties. This amino acid position is conserved. In addition, this alteration is predicted to be tolerated by in silico analysis. Since supporting evidence is limited at this time, the clinical significance of this alteration remains unclear.

NM_001184.4(ATR):c.725C>A (p.Pro242Gln)

Gene: ATR (ATR checkpoint kinase; minus strand). Cytogenetic location: 3q23.
Variant type: single nucleotide variant.
Coding change: c.725C>A on transcript NM_001184.4 (MANE Select); coding-DNA position 725, C replaced by A.
Protein change: p.Pro242Gln; replaces proline 242 with glutamine.
Molecular consequence: missense variant.
Genome position (GRCh38, 1-based): chr3:142,562,677, G>T on the plus strand (C>A on the coding strand, the complement: ATR is on the minus strand). VCF-style: chr3-142562677-G-T. GRCh37 (hg19) VCF-style: chr3-142281519-G-T.
Other names: c.725C>A, p.Pro242Gln (NM_001354579.2); short protein forms P242Q.
Identifiers: ClinVar variation 2567780 (VCV002567780.2), dbSNP rs2473427929, ClinGen allele CA354825826.
Genomic context (GRCh38, chr3:142,562,677, plus strand): 5'-GGTAGTCCTCCAAGCTGAAAAAGTTCTGTTAAAAAGCTAATTGCTAGGGATTTAATTTTT[G>T]GACTACCATACTCTAGCAGAACACAACCTATCTGCCAAAGTAAGAGTTCTTGCCTTCTAA-3'
Protein context (NP_001175.2, residues 232-252): IGCVLLEYGS[Pro242Gln]KIKSLAISFL